The following is an entry in ClinVar:

ClinVar aggregate classification (germline): Uncertain significance (1 of 4 stars; one submission).

Submission:

GeneDx
Classification: Uncertain significance. Last evaluated: 2019-08-26. Review status: criteria provided, single submitter. Criteria: GeneDx Variant Classification Process June 2021. Collection method: clinical testing. Allele origin: germline. Affected: yes.
Comment: Not observed in large population cohorts (Lek et al., 2016); In silico analysis, which includes protein predictors and evolutionary conservation, supports a deleterious effect; Has not been previously published as pathogenic or benign to our knowledge

NM_005862.3(STAG1):c.2616C>G (p.Phe872Leu)

Gene: STAG1 (STAG1 cohesin complex component; minus strand). Cytogenetic location: 3q22.3.
Variant type: single nucleotide variant.
Coding change: c.2616C>G on transcript NM_005862.3 (MANE Select); coding-DNA position 2616, C replaced by G.
Protein change: p.Phe872Leu; replaces phenylalanine 872 with leucine.
Molecular consequence: missense variant.
Genome position (GRCh38, 1-based): chr3:136,367,012, G>C on the plus strand (C>G on the coding strand, the complement: STAG1 is on the minus strand). VCF-style: chr3-136367012-G-C. GRCh37 (hg19) VCF-style: chr3-136085854-G-C.
Other names: short protein forms F872L.
Identifiers: ClinVar variation 1307842 (VCV001307842.2), dbSNP rs2108291617, ClinGen allele CA354646925.